The following is an entry in ClinVar:

NM_004006.3(DMD):c.458A>G (p.Gln153Arg)

Gene: DMD (dystrophin; minus strand). Cytogenetic location: Xp21.1.
Variant type: single nucleotide variant.
Coding change: c.458A>G on transcript NM_004006.3 (MANE Select); coding-DNA position 458, A replaced by G.
Protein change: p.Gln153Arg; replaces glutamine 153 with arginine.
Molecular consequence: missense variant.
Genome position (GRCh38, 1-based): chrX:32,816,540, T>C on the plus strand (A>G on the coding strand, the complement: DMD is on the minus strand). VCF-style: chrX-32816540-T-C. GRCh37 (hg19) VCF-style: chrX-32834657-T-C.
Other names: c.458A>G (NM_004006.2); c.434A>G, p.Gln145Arg (NM_000109.4); c.446A>G, p.Gln149Arg (NM_004009.3); c.89A>G, p.Gln30Arg (NM_004010.3); short protein forms Q153R, Q30R, Q145R, Q149R.
Identifiers: ClinVar variation 1446235 (VCV001446235.9), dbSNP rs749488822, ClinGen allele CA10380153.
Genomic context (GRCh38, chrX:32,816,540, plus strand): 5'-ATGAGAGCATTCAAAGCCAGGCCATCAGACCAGCTGGTGGTGAAGTTGATTACATTAACC[T>C]GTGGATAATTACGAGTTGATTGTCGGACCCAGCTCAGGAGAATCTTTTCACTGTTGGTTT-3'
Protein context (NP_003997.2, residues 143-163): WVRQSTRNYP[Gln153Arg]VNVINFTTSW

ClinVar aggregate classification (germline): Conflicting classifications of pathogenicity. Review status: criteria provided, conflicting classifications (1 of 4 stars). 3 submissions from 3 submitters: Uncertain significance (2); Likely benign (1). Last evaluated 2025-10-13.

Conditions:
Cardiovascular phenotype. Identifiers: MedGen CN230736.
Duchenne muscular dystrophy (DMD). Also called: MUSCULAR DYSTROPHY, PSEUDOHYPERTROPHIC PROGRESSIVE, DUCHENNE TYPE; Duchenne Muscular Dystrophy (DMD). Identifiers: Orphanet 98896, MedGen C0013264, MONDO:0010679, OMIM 310200.

Allele frequency attached by ClinVar (database versions not stated): gnomAD exomes below 0.00001 and 0.00001; TOPMed below 0.00001; ExAC 0.00002.
gnomAD v4.1: 2 of 1,211,318 alleles (0.00017%); highest among the groups gnomAD compares: Admixed American, 0.0022%; no homozygotes.

Submissions (3):

Labcorp Genetics (formerly Invitae), Labcorp
Classification: Uncertain significance for Duchenne muscular dystrophy. Last evaluated: 2025-10-13. Review status: criteria provided, single submitter. Criteria: Invitae Variant Classification Sherloc (09022015). Collection method: clinical testing. Allele origin: germline.
Comment: This sequence change replaces glutamine, which is neutral and polar, with arginine, which is basic and polar, at codon 153 of the DMD protein (p.Gln153Arg). This variant is present in population databases (rs749488822, gnomAD 0.004%). This variant has not been reported in the literature in individuals affected with DMD-related conditions. ClinVar contains an entry for this variant (Variation ID: 1446235). Invitae Evidence Modeling of protein sequence and biophysical properties (such as structural, functional, and spatial information, amino acid conservation, physicochemical variation, residue mobility, and thermodynamic stability) indicates that this missense variant is not expected to disrupt DMD protein function with a negative predictive value of 95%. In summary, the available evidence is currently insufficient to determine the role of this variant in disease. Therefore, it has been classified as a Variant of Uncertain Significance.

Ambry Genetics
Classification: Uncertain significance for Cardiovascular phenotype. Last evaluated: 2025-05-13. Review status: criteria provided, single submitter. Criteria: Ambry Variant Classification Scheme 2023. Collection method: clinical testing. Allele origin: germline.
Comment: The p.Q153R variant (also known as c.458A>G), located in coding exon 6 of the DMD gene, results from an A to G substitution at nucleotide position 458. The glutamine at codon 153 is replaced by arginine, an amino acid with highly similar properties. Based on data from gnomAD, the G allele has an overall frequency of 0.0015% (3/205388) total alleles studied, with 0 hemizygote(s) observed. The highest observed frequency was 0.0036% (1/28040) of Latino alleles. This amino acid position is not well conserved in available vertebrate species. In addition, the in silico prediction for this alteration is inconclusive. Based on the available evidence, the clinical significance of this variant remains unclear.

Blueprint Genetics
Classification: Likely benign. Last evaluated: 2024-11-15. Review status: criteria provided, single submitter. Criteria: ACMG Guidelines, 2015. Collection method: clinical testing. Allele origin: germline.